The following is an entry in ClinVar:

NM_000051.4(ATM):c.901+2T>G

Gene: ATM (ATM serine/threonine kinase; plus strand). Cytogenetic location: 11q22.3.
Variant type: single nucleotide variant.
Coding change: c.901+2T>G on transcript NM_000051.4 (MANE Select); the canonical splice donor site of the intron after coding-DNA position 901, T replaced by G.
Molecular consequence: splice donor variant.
Genome position (GRCh38, 1-based): chr11:108,245,028, T>G. VCF-style: chr11-108245028-T-G. GRCh37 (hg19) VCF-style: chr11-108115755-T-G.
Other names: c.901+2T>G (NM_000051.3, NM_001351834.2).
Identifiers: ClinVar variation 2585040 (VCV002585040.2), dbSNP rs1218815157, ClinGen allele CA382529663.

ClinVar aggregate classification (germline): Pathogenic/Likely pathogenic. Review status: criteria provided, multiple submitters, no conflicts (2 of 4 stars). 2 submissions from 2 submitters: Pathogenic (1); Likely pathogenic (1). Last evaluated 2025-03-24.

Conditions:
Hereditary cancer-predisposing syndrome. Also called: Tumor predisposition; Neoplastic Syndromes, Hereditary; Hereditary Cancer Syndrome; Hereditary neoplastic syndrome. Identifiers: Orphanet 140162, MedGen C0027672, MeSH D009386, MONDO:0015356.
Ataxia-telangiectasia syndrome (AT). Also called: Cerebello-oculocutaneous telangiectasia; Immunodeficiency with ataxia telangiectasia; Ataxia-telangiectasia, complementation group D; ATAXIA-TELANGIECTASIA, COMPLEMENTATION GROUP A; ATAXIA-TELANGIECTASIA, FRESNO VARIANT; Ataxia-telangiectasia. Identifiers: Orphanet 100, MedGen C0004135, MONDO:0008840, OMIM 208900.

Allele frequency attached by ClinVar (database versions not stated): gnomAD exomes below 0.00001.
gnomAD v4.1: 1 of 1,596,132 alleles (0.000063%); highest among the groups gnomAD compares: South Asian, 0.0011%; no homozygotes.

Submissions (2):

Ambry Genetics
Classification: Pathogenic for Hereditary cancer-predisposing syndrome. Last evaluated: 2025-03-24. Review status: criteria provided, single submitter. Criteria: Ambry Variant Classification Scheme 2023. Collection method: clinical testing. Allele origin: germline.
Comment: The c.901+2T>G intronic variant results from a T to G substitution two nucleotides after coding exon 6 in the ATM gene. Other variants impacting the same donor site (c.901+1G>A, c.901+2T>A) have been shown to have a similar impact on splicing in individual(s) with features consistent with Ataxia telangiectasia (Laake K et al. Hum Mutat, 2000 Sep;16:232-46; Mitui M et al. Hum Mutat, 2003 Jul;22:43-50; Ambry internal data). This variant is considered to be rare based on population cohorts in the Genome Aggregation Database (gnomAD). This nucleotide position is highly conserved in available vertebrate species. In silico splice site analysis predicts that this alteration will weaken the native splice donor site. Alterations that disrupt the canonical splice site are expected to cause aberrant splicing, resulting in an abnormal protein or a transcript that is subject to nonsense-mediated mRNA decay. As such, this alteration is classified as a disease-causing mutation.

Neuberg Centre For Genomic Medicine, NCGM
Classification: Likely pathogenic for Ataxia-telangiectasia syndrome. Review status: criteria provided, single submitter. Criteria: ACMG Guidelines, 2015. Collection method: clinical testing. Allele origin: germline. Inheritance: Autosomal recessive inheritance. Affected: yes.
Comment: The splice site donor c.901+2T>G variant in ATM gene has not been reported previously as a pathogenic variant nor as a benign variant, to our knowledge. It is an invariant splice site. This variant is reported with the allele frequency 0.0004% in the gnomAD and novel in 1000 genome database. Loss of function variants have been previously reported to be disease causing. For these reasons, this variant has been classified as Likely Pathogenic.

Literature cited by the submitters: PubMed 10980530 (cited by Ambry Genetics); PubMed 12815592 (cited by Ambry Genetics).